The following is an entry in ClinVar:

ClinVar aggregate classification (germline): Uncertain significance (1 of 4 stars; one submission).

Conditions:
Cardiovascular phenotype. Identifiers: MedGen CN230736.

Submission:

Ambry Genetics
Classification: Uncertain significance for Cardiovascular phenotype. Last evaluated: 2023-11-14. Review status: criteria provided, single submitter. Criteria: Ambry Variant Classification Scheme 2023. Collection method: clinical testing. Allele origin: germline.
Comment: The p.T278S variant (also known as c.833C>G), located in coding exon 6 of the BGN gene, results from a C to G substitution at nucleotide position 833. The threonine at codon 278 is replaced by serine, an amino acid with similar properties. This amino acid position is conserved. In addition, this alteration is predicted to be tolerated by in silico analysis. Since supporting evidence is limited at this time, the clinical significance of this alteration remains unclear.

NM_001711.6(BGN):c.833C>G (p.Thr278Ser)

Gene: BGN (biglycan; plus strand). Cytogenetic location: Xq28.
Variant type: single nucleotide variant.
Coding change: c.833C>G on transcript NM_001711.6 (MANE Select); coding-DNA position 833, C replaced by G.
Protein change: p.Thr278Ser; replaces threonine 278 with serine.
Molecular consequence: missense variant.
Genome position (GRCh38, 1-based): chrX:153,507,109, C>G. VCF-style: chrX-153507109-C-G. GRCh37 (hg19) VCF-style: chrX-152772567-C-G.
Other names: short protein forms T278S.
Identifiers: ClinVar variation 3221769 (VCV003221769.1), dbSNP rs2521221278, ClinGen allele CA415071441.